The following is an entry in ClinVar:

NM_017617.5(NOTCH1):c.2427C>T (p.Asp809=)

Gene: NOTCH1 (notch receptor 1; minus strand). Cytogenetic location: 9q34.3.
Variant type: single nucleotide variant.
Coding change: c.2427C>T on transcript NM_017617.5 (MANE Select); coding-DNA position 2427, C replaced by T.
Protein change: p.Asp809=; no amino-acid change (aspartic acid 809 retained).
Molecular consequence: synonymous variant.
Genome position (GRCh38, 1-based): chr9:136,513,061, G>A on the plus strand (C>T on the coding strand, the complement: NOTCH1 is on the minus strand). VCF-style: chr9-136513061-G-A. GRCh37 (hg19) VCF-style: chr9-139407513-G-A.
Other names: p.Asp809=; c.2427C>T, p.Asp809= (LRG_1122t1).
Identifiers: ClinVar variation 391057 (VCV000391057.17), dbSNP rs775162462, ClinGen allele CA5341360.
Genomic context (GRCh38, chr9:136,513,061, plus strand): 5'-AGGCCCCACCCACCCCTCACCTGTGTAGGGCAGCAGGCAGTTGCACTTGTACCCGGCAAC[G>A]TCGTCAATACACGTGCCCTGGTTCAGACATGGGTTGGACGCACACTCGTTGATGTTGGTC-3'
Protein context (NP_060087.3, residues 799-819): PCLNQGTCID[Asp809=]VAGYKCNCLL

ClinVar aggregate classification (germline): Likely benign. Review status: criteria provided, multiple submitters, no conflicts (2 of 4 stars). 8 submissions from 7 submitters: Likely benign (8). Last evaluated 2025-11-25.

Conditions:
Adams-Oliver syndrome 5 (AOS5). Identifiers: Orphanet 974, MedGen C4014970, MONDO:0014459, OMIM 616028.
Familial thoracic aortic aneurysm and aortic dissection (TAAD). Also called: Thoracic aortic aneurysms and dissections. Identifiers: Orphanet 91387, MedGen C4707243, MONDO:0019625.
Aortic valve disease 1 (AOVD1). Identifiers: MedGen C3887892, MONDO:0024523, OMIM 109730.

Allele frequency attached by ClinVar (database versions not stated): ExAC 0.00004; TOPMed 0.00008; gnomAD 0.00017.
gnomAD v4.1: 75 of 1,437,374 alleles (0.0052%); highest among the groups gnomAD compares: Admixed American, 0.049%; no homozygotes.

Submissions (8):

Labcorp Genetics (formerly Invitae), Labcorp
Classification: Likely benign for Adams-Oliver syndrome 5. Last evaluated: 2025-11-25. Review status: criteria provided, single submitter. Criteria: Invitae Variant Classification Sherloc (09022015). Collection method: clinical testing. Allele origin: germline.

Mayo Clinic Laboratories, Mayo Clinic
Classification: Likely benign. Last evaluated: 2025-03-11. Review status: criteria provided, single submitter. Criteria: ACMG Guidelines, 2015. Collection method: clinical testing. Allele origin: germline. Observed: 1 variant allele.
Comment: BP4, BP7

Laboratory of Genetics, Children's Clinical University Hospital Latvia
Classification: Likely benign. Last evaluated: 2025-02-16. Review status: criteria provided, single submitter. Criteria: ACMG Guidelines, 2015. Collection method: clinical testing. Allele origin: germline. Affected: yes.

Ambry Genetics
Classification: Likely benign for Familial thoracic aortic aneurysm and aortic dissection. Last evaluated: 2022-07-06. Review status: criteria provided, single submitter. Criteria: Ambry Variant Classification Scheme 2023. Collection method: clinical testing. Allele origin: germline.

Genome-Nilou Lab
Classification: Likely benign for Adams-Oliver syndrome 5. Last evaluated: 2022-03-15. Review status: criteria provided, single submitter. Criteria: ACMG Guidelines, 2015. Collection method: clinical testing. Allele origin: germline. Affected: no.

Genome-Nilou Lab
Classification: Likely benign for Aortic valve disease 1. Last evaluated: 2022-03-15. Review status: criteria provided, single submitter. Criteria: ACMG Guidelines, 2015. Collection method: clinical testing. Allele origin: germline. Affected: no.

GeneDx
Classification: Likely benign. Last evaluated: 2019-12-26. Review status: criteria provided, single submitter. Criteria: GeneDx Variant Classification Process June 2021. Collection method: clinical testing. Allele origin: germline. Affected: yes.

CHEO Genetics Diagnostic Laboratory, Children's Hospital of Eastern Ontario
Classification: Likely benign for Familial thoracic aortic aneurysm and aortic dissection. Last evaluated: 2018-10-29. Review status: criteria provided, single submitter. Criteria: ACMG Guidelines, 2015. Collection method: clinical testing. Allele origin: germline.